The following is an entry in ClinVar:

ClinVar aggregate classification (germline): Benign. Review status: criteria provided, multiple submitters, no conflicts (2 of 4 stars). 15 submissions from 14 submitters: Benign (12). 3 of the submissions do not count toward it. Last evaluated 2026-02-04.

Conditions:
Pheochromocytoma. Also called: MAX-Related Hereditary Paraganglioma-Pheochromocytoma Syndrome. Identifiers: Orphanet 29072, MedGen C0031511, MONDO:0008233, OMIM 171300, HP:0002666.
Charcot-Marie-Tooth disease. Also called: Charcot-Marie-Tooth Hereditary Neuropathy; Charcot-Marie-Tooth Neuropathy. Identifiers: Orphanet 166, MedGen C0007959, MONDO:0015626.
Charcot-Marie-Tooth disease type 2. Also called: Charcot-Marie-Tooth type 2. Identifiers: Orphanet 64746, MedGen C0270914, MONDO:0018993.
Neuroblastoma (NB). Identifiers: Orphanet 635, MedGen C0027819, MeSH D009447, MONDO:0005072, HP:0003006.
Charcot-Marie-Tooth disease type 2A1. Also called: CHARCOT-MARIE-TOOTH DISEASE, AXONAL, AUTOSOMAL DOMINANT, TYPE 2A1; CHARCOT-MARIE-TOOTH DISEASE, NEURONAL, TYPE 2A1; CHARCOT-MARIE-TOOTH NEUROPATHY, TYPE 2A1; HEREDITARY MOTOR AND SENSORY NEUROPATHY IIA1; CHARCOT-MARIE-TOOTH DISEASE, AXONAL, TYPE 2A1. Identifiers: Orphanet 99946, MedGen C1861678, MONDO:0007308, OMIM 118210.

Allele frequency attached by ClinVar (database versions not stated): ESP Exome Variant Server 0.25942; 1000 Genomes Project 0.26398; gnomAD 0.26503 and 0.26538; TOPMed 0.26690; 1000 Genomes Project 30x 0.26718; ExAC 0.27874; gnomAD exomes 0.28438 and 0.29271.
gnomAD v4.1: 465,022 of 1,603,204 alleles (29%); highest among the groups gnomAD compares: Admixed American, 34%; 68,451 homozygotes.

Submissions (15):

Labcorp Genetics (formerly Invitae), Labcorp
Classification: Benign for Charcot-Marie-Tooth disease type 2. Last evaluated: 2026-02-04. Review status: criteria provided, single submitter. Criteria: Invitae Variant Classification Sherloc (09022015). Collection method: clinical testing. Allele origin: germline.

Blueprint Genetics
Classification: Benign. Last evaluated: 2024-11-26. Review status: criteria provided, single submitter. Criteria: ACMG Guidelines, 2015. Collection method: clinical testing. Allele origin: germline.

Genome-Nilou Lab
Classification: Benign for Charcot-Marie-Tooth disease type 2A1. Last evaluated: 2021-08-19. Review status: criteria provided, single submitter. Criteria: ACMG Guidelines, 2015. Collection method: clinical testing. Allele origin: germline. Affected: no.

Genome-Nilou Lab
Classification: Benign for Pheochromocytoma. Last evaluated: 2021-08-19. Review status: criteria provided, single submitter. Criteria: ACMG Guidelines, 2015. Collection method: clinical testing. Allele origin: germline. Affected: no.

Ambry Genetics
Classification: Benign. Last evaluated: 2020-07-28. Review status: criteria provided, single submitter. Criteria: Ambry Variant Classification Scheme 2023. Collection method: clinical testing. Allele origin: germline.

Illumina Laboratory Services, Illumina
Classification: Benign for Neuroblastoma. Last evaluated: 2018-01-13. Review status: criteria provided, single submitter. Criteria: ICSL Variant Classification Criteria 13 December 2019. Collection method: clinical testing. Allele origin: germline.
Comment: This variant was observed in the ICSL laboratory as part of a predisposition screen in an ostensibly healthy population. It had not been previously curated by ICSL or reported in the Human Gene Mutation Database (HGMD: prior to June 1st, 2018), and was therefore a candidate for classification through an automated scoring system. Utilizing variant allele frequency, disease prevalence and penetrance estimates, and inheritance mode, an automated score was calculated to assess if this variant is too frequent to cause the disease. Based on the score and internal cut-off values, a variant classified as benign is not then subjected to further curation. The score for this variant resulted in a classification of benign for this disease.

Mayo Clinic Laboratories, Mayo Clinic
Classification: Benign. Last evaluated: 2016-03-02. Review status: criteria provided, single submitter. Criteria: ACMG Guidelines, 2015. Collection method: clinical testing. Allele origin: germline. Observed: 470 variant alleles.

GeneDx
Classification: Benign. Last evaluated: 2015-03-03. Review status: criteria provided, single submitter. Criteria: GeneDx Variant Classification Process June 2021. Collection method: clinical testing. Allele origin: germline. Affected: yes.

Laboratory for Molecular Medicine, Mass General Brigham Personalized Medicine
Classification: Benign. Last evaluated: 2013-05-20. Review status: criteria provided, single submitter. Criteria: LMM Criteria. Collection method: clinical testing. Allele origin: germline. Observed: 1 variant allele.
Comment: The 1639+10C_T variant in KIF1B: This variant is not expected to have clinical s ignificance because it does not alter an amino acid residue, is not located with in the splice consensus sequence, has been identified in 30% (2553/8600) of Euro pean American chromosomes and 26% (820/4406) of African American chromosomes by the NHLBI Exome Sequencing Project (dbSNP rs3 753037).

Breakthrough Genomics
Classification: Benign. Review status: criteria provided, single submitter. Criteria: ACMG Guidelines, 2015. Collection method: not provided. Allele origin: germline. Inheritance: Autosomal dominant inheritance. Affected: yes.

Molecular Genetics Laboratory, London Health Sciences Centre
Classification: Benign for Charcot-Marie-Tooth disease. Review status: criteria provided, single submitter. Criteria: ACMG Guidelines, 2015. Collection method: clinical testing. Allele origin: germline. Affected: yes.

PreventionGenetics, part of Exact Sciences
Classification: Benign. Review status: criteria provided, single submitter. Criteria: ACMG Guidelines, 2015. Collection method: clinical testing. Allele origin: germline.

Clinical Genetics, Academic Medical Center
Classification: Benign. Review status: no assertion criteria provided. Collection method: clinical testing. Allele origin: germline. Affected: yes. Study: VKGL Data-share Consensus. Not counted in ClinVar's aggregate classification.

Diagnostic Laboratory, Department of Genetics, University Medical Center Groningen
Classification: Benign. Review status: no assertion criteria provided. Collection method: clinical testing. Allele origin: germline. Affected: yes. Study: VKGL Data-share Consensus. Not counted in ClinVar's aggregate classification.

Joint Genome Diagnostic Labs from Nijmegen and Maastricht, Radboudumc and MUMC+
Classification: Benign. Review status: no assertion criteria provided. Collection method: clinical testing. Allele origin: germline. Affected: yes. Study: VKGL Data-share Consensus. Not counted in ClinVar's aggregate classification.

NM_001365951.3(KIF1B):c.1777+10C>T

Gene: KIF1B (kinesin family member 1B; plus strand). Cytogenetic location: 1p36.22.
Variant type: single nucleotide variant.
Coding change: c.1777+10C>T on transcript NM_001365951.3 (MANE Select); 10 bases into the intron after coding-DNA position 1777, C replaced by T.
Molecular consequence: intron variant.
Genome position (GRCh38, 1-based): chr1:10,295,776, C>T. VCF-style: chr1-10295776-C-T. GRCh37 (hg19) VCF-style: chr1-10355834-C-T.
Other names: c.1639+10C>T (NM_183416.4, NM_015074.3, NM_001365953.1); c.1777+10C>T (NM_001365952.1).
Identifiers: ClinVar variation 177960 (VCV000177960.36), dbSNP rs3753037, ClinGen allele CA181067.